The following is an entry in ClinVar:

ClinVar aggregate classification (germline): Uncertain significance (1 of 4 stars; one submission).

Conditions:
Inborn genetic diseases. Identifiers: MedGen C0950123, MeSH D030342.

Submission:

Ambry Genetics
Classification: Uncertain significance for Inborn genetic diseases. Last evaluated: 2026-06-08. Review status: criteria provided, single submitter. Criteria: Ambry Variant Classification Scheme 2023. Collection method: clinical testing. Allele origin: germline.
Comment: The p.G359R variant (also known as c.1075G>A), located in coding exon 6 of the FANCM gene, results from a G to A substitution at nucleotide position 1075. The glycine at codon 359 is replaced by arginine, an amino acid with dissimilar properties. This amino acid position is conserved. In addition, the in silico prediction for this alteration is inconclusive. Based on the available evidence, the clinical significance of this variant remains unclear.

NM_020937.4(FANCM):c.1075G>A (p.Gly359Arg)

Gene: FANCM (FA complementation group M; plus strand). Cytogenetic location: 14q21.2.
Variant type: single nucleotide variant.
Coding change: c.1075G>A on transcript NM_020937.4 (MANE Select); coding-DNA position 1075, G replaced by A.
Protein change: p.Gly359Arg; replaces glycine 359 with arginine.
Molecular consequence: missense variant.
Genome position (GRCh38, 1-based): chr14:45,153,944, G>A. VCF-style: chr14-45153944-G-A. GRCh37 (hg19) VCF-style: chr14-45623147-G-A.
Other names: c.997G>A, p.Gly333Arg (NM_001308133.2); c.1075G>A, p.Gly359Arg (NM_001308134.2); short protein forms G333R, G359R.
Identifiers: ClinVar variation 4871182 (VCV004871182.1).